The following is an entry in ClinVar:

ClinVar aggregate classification (germline): Uncertain significance (1 of 4 stars; one submission).

Conditions:
Inborn genetic diseases. Identifiers: MedGen C0950123, MeSH D030342.

Submission:

Ambry Genetics
Classification: Uncertain significance for Inborn genetic diseases. Last evaluated: 2025-08-23. Review status: criteria provided, single submitter. Criteria: Ambry Variant Classification Scheme 2023. Collection method: clinical testing. Allele origin: germline.
Comment: The p.G785R variant (also known as c.2353G>A), located in coding exon 8 of the MECOM gene, results from a G to A substitution at nucleotide position 2353. The glycine at codon 785 is replaced by arginine, an amino acid with dissimilar properties. This amino acid position is conserved. In addition, this alteration is predicted to be tolerated by in silico analysis. Based on the available evidence, the clinical significance of this variant remains unclear.

NM_004991.4(MECOM):c.2353G>A (p.Gly785Arg)

Gene: MECOM (MDS1 and EVI1 complex locus; minus strand). Cytogenetic location: 3q26.2.
Variant type: single nucleotide variant.
Coding change: c.2353G>A on transcript NM_004991.4 (MANE Select); coding-DNA position 2353, G replaced by A.
Protein change: p.Gly785Arg; replaces glycine 785 with arginine.
Molecular consequence: missense variant.
Genome position (GRCh38, 1-based): chr3:169,115,519, C>T on the plus strand (G>A on the coding strand, the complement: MECOM is on the minus strand). VCF-style: chr3-169115519-C-T. GRCh37 (hg19) VCF-style: chr3-168833307-C-T.
Other names: c.1984G>A, p.Gly662Arg (NM_001105077.4); c.1789G>A, p.Gly597Arg (NM_001105078.4, NM_001164000.2, NM_001205194.2 and 4 more transcripts); c.1792G>A, p.Gly598Arg (NM_001163999.2, NM_001366467.2, NM_001366468.2 and 1 more transcripts); c.2353G>A, p.Gly785Arg (NM_001366466.2); c.1381G>A, p.Gly461Arg (NM_001366473.2); c.817G>A, p.Gly273Arg (NM_001366474.2); short protein forms G461R, G598R, G273R, G785R, G662R, G597R.
Identifiers: ClinVar variation 4105873 (VCV004105873.1).
Genomic context (GRCh38, chr3:169,115,519, plus strand): 5'-CGTTGCTTCCTTTTTTTCCCCCAAACACGTGGTTTTTTCGAGGCTCAGTCAGCTTTGTCC[C>T]ACTGGCTCTACTCCTACTGCCCATACTTAGATCCAGGGGCTGGTCTTGGCTTGTGGCAGG-3'
Protein context (NP_004982.2, residues 775-795): LSMGSRSRAS[Gly785Arg]TKLTEPRKNH